The following is an entry in ClinVar:

ClinVar aggregate classification (germline): Pathogenic. Review status: criteria provided, multiple submitters, no conflicts (2 of 4 stars). 5 submissions from 5 submitters: Pathogenic (5). Last evaluated 2025-10-31.

Conditions:
PKHD1-related disorder. Also called: PKHD1-related condition.
Polycystic kidney disease 4 (PKD4). Also called: POLYCYSTIC KIDNEY DISEASE 4 WITH OR WITHOUT POLYCYSTIC LIVER DISEASE; Autosomal Recessive Polycystic Kidney Disease – PKHD1; POLYCYSTIC KIDNEY AND HEPATIC DISEASE 1; POLYCYSTIC KIDNEY DISEASE, INFANTILE, TYPE I; PKD3. Identifiers: MedGen C4540575, MONDO:0033004, OMIM 263200.
Autosomal recessive polycystic kidney disease (ARPKD). Also called: AR polycystic kidney disease. Identifiers: Orphanet 731, Orphanet 8378, MedGen C0085548, MeSH D017044, MONDO:0009889.

Allele frequency attached by ClinVar (database versions not stated): TOPMed 0.00001.
gnomAD v4.1: 5 of 1,613,666 alleles (0.00031%); highest among the groups gnomAD compares: African/African-American, 0.0027%; no homozygotes.

Submissions (5):

PreventionGenetics, part of Exact Sciences
Classification: Pathogenic for PKHD1-related condition. Last evaluated: 2025-10-31. Review status: criteria provided, single submitter. Criteria: ACMG Guidelines, 2015. Collection method: clinical testing. Allele origin: germline.
Comment: The PKHD1 c.10765C>T variant is predicted to result in premature protein termination (p.Gln3589*). This variant has been reported to be pathogenic for autosomal recessive polycystic kidney disease (ARPKD) (see for example, Furu et al. 2003. PubMed ID: 12874454). This variant has not been reported in a large population database (gnomad), indicating this variant is rare. Nonsense variants in PKHD1 are expected to be pathogenic. This variant is interpreted as pathogenic.

Labcorp Genetics (formerly Invitae), Labcorp
Classification: Pathogenic for Autosomal recessive polycystic kidney disease. Last evaluated: 2025-09-24. Review status: criteria provided, single submitter. Criteria: Invitae Variant Classification Sherloc (09022015). Collection method: clinical testing. Allele origin: germline.
Comment: This sequence change creates a premature translational stop signal (p.Gln3589*) in the PKHD1 gene. It is expected to result in an absent or disrupted protein product. Loss-of-function variants in PKHD1 are known to be pathogenic (PMID: 19940839). This variant is not present in population databases (gnomAD no frequency). This premature translational stop signal has been observed in individuals with polycystic kidney disease (PMID: 16133180, 24162162; internal data). ClinVar contains an entry for this variant (Variation ID: 633362). For these reasons, this variant has been classified as Pathogenic.

Natera, Inc.
Classification: Pathogenic for Autosomal recessive polycystic kidney disease. Last evaluated: 2025-06-09. Review status: criteria provided, single submitter. Criteria: Natera Variant Classification Schema (03/2026). Collection method: clinical testing. Allele origin: germline.
Comment: The c.10765C>T variant in PKHD1 is a nonsense variant predicted to introduce a stop codon at amino acid 3589. This variant is expected to result in nonsense mediated decay, truncation, or a dysfunctional protein product. This variant is rare in the general population with a frequency below the threshold expected for the associated phenotype(s). This variant has been observed in one or more individuals affected with the associated recessive disease, as either homozygous or compound heterozygous with a second variant (PMID: 24162162). Given the available evidence, this variant is classified as Pathogenic.

Baylor Genetics
Classification: Pathogenic for Polycystic kidney disease 4. Last evaluated: 2024-01-24. Review status: criteria provided, single submitter. Criteria: ACMG Guidelines, 2015. Collection method: clinical testing. Allele origin: unknown.

Women's Health and Genetics/Laboratory Corporation of America, LabCorp
Classification: Pathogenic for Autosomal recessive polycystic kidney disease. Last evaluated: 2018-12-17. Review status: criteria provided, single submitter. Criteria: LabCorp Variant Classification Summary - May 2015. Collection method: clinical testing. Allele origin: germline.
Comment: Variant summary: PKHD1 c.10765C>T (p.Gln3589X) results in a premature termination codon, predicted to cause a truncation of the encoded protein or absence of the protein due to nonsense mediated decay, which are commonly known mechanisms for disease. Truncations downstream of this position have been classified as pathogenic by our laboratory (eg. c.11314C>T, p.Arg3772X). The variant was absent in 276690 control chromosomes (gnomAD). The variant, c.10765C>T, has been reported in the literature in individuals affected with Polycystic Kidney and Hepatic Disease (Furu_2004, Losekoot_2005, Krall_2014, Bergmann_2005). These data indicate that the variant may be associated with disease. To our knowledge, no experimental evidence demonstrating an impact on protein function has been reported. No clinical diagnostic laboratories have submitted clinical-significance assessments for this variant to ClinVar after 2014. Based on the evidence outlined above, the variant was classified as pathogenic.

Literature cited by the submitters: PubMed 19940839 (cited by Labcorp Genetics (formerly Invitae), Labcorp); PubMed 16133180 (cited by Labcorp Genetics (formerly Invitae), Labcorp and Women's Health and Genetics/Laboratory Corporation of America, LabCorp); PubMed 24162162 (cited by 3 submitters); PubMed 12874454 (cited by Women's Health and Genetics/Laboratory Corporation of America, LabCorp); PubMed 15698423 (cited by Women's Health and Genetics/Laboratory Corporation of America, LabCorp).

NM_138694.4(PKHD1):c.10765C>T (p.Gln3589Ter)

Gene: PKHD1 (PKHD1 ciliary IPT domain containing fibrocystin/polyductin; minus strand). Cytogenetic location: 6p12.3.
Variant type: single nucleotide variant.
Coding change: c.10765C>T on transcript NM_138694.4 (MANE Select); coding-DNA position 10765, C replaced by T.
Protein change: p.Gln3589Ter; replaces glutamine 3589 with a stop codon.
Molecular consequence: nonsense.
Genome position (GRCh38, 1-based): chr6:51,659,361, G>A on the plus strand (C>T on the coding strand, the complement: PKHD1 is on the minus strand). VCF-style: chr6-51659361-G-A. GRCh37 (hg19) VCF-style: chr6-51524159-G-A.
Other names: short protein forms Q3589*.
Identifiers: ClinVar variation 633362 (VCV000633362.17), dbSNP rs780182068, ClinGen allele CA364432355.